The following is an entry in ClinVar:

NM_000263.4(NAGLU):c.764+1G>C

Gene: NAGLU (N-acetyl-alpha-glucosaminidase; plus strand). Cytogenetic location: 17q21.2.
Variant type: single nucleotide variant.
Coding change: c.764+1G>C on transcript NM_000263.4 (MANE Select); the canonical splice donor site of the intron after coding-DNA position 764, G replaced by C.
Molecular consequence: splice donor variant.
Genome position (GRCh38, 1-based): chr17:42,538,756, G>C. VCF-style: chr17-42538756-G-C. GRCh37 (hg19) VCF-style: chr17-40690774-G-C.
Identifiers: ClinVar variation 4886977 (VCV004886977.1).

ClinVar aggregate classification (germline): Pathogenic (1 of 4 stars; one submission).

Conditions:
Mucopolysaccharidosis, MPS-III-B (MPS3B). Also called: N-ACETYL-ALPHA-D-GLUCOSAMINIDASE DEFICIENCY; NAGLU DEFICIENCY; SANFILIPPO SYNDROME B; MPS III B; MUCOPOLYSACCHARIDOSIS, TYPE IIIB; Mucopolysaccharidosis type IIIB (Sanfilippo B). Identifiers: Orphanet 79270, MedGen C0086648, MONDO:0009656, OMIM 252920.

Submission:

Foundation for Research in Genetics and Endocrinology, FRIGE's Institute of Human Genetics
Classification: Pathogenic for Mucopolysaccharidosis, MPS-III-B. Last evaluated: 2022-06-10. Review status: criteria provided, single submitter. Criteria: ACMG Guidelines, 2015. Collection method: clinical testing. Allele origin: germline. Inheritance: Autosomal recessive inheritance. Affected: yes. Observed: 1 variant allele, 1 compound heterozygote.
Comment: A heterozygous variant in intron 4 of NAGLU gene has been detected. The observed variant c.764+1G>C has not been reported in the 1000 genomes and gnomAD databases. The in silico prediction of the variant is disease causing by MutationTaster. In summary, the variant meets our criteria to be classified as pathogenic.